The following is an entry in ClinVar:

NM_012123.4(MTO1):c.1367C>G (p.Thr456Ser)

Gene: MTO1 (mitochondrial tRNA translation optimization 1; plus strand). Cytogenetic location: 6q13.
Variant type: single nucleotide variant.
Coding change: c.1367C>G on transcript NM_012123.4 (MANE Select); coding-DNA position 1367, C replaced by G.
Protein change: p.Thr456Ser; replaces threonine 456 with serine.
Molecular consequence: missense variant.
Genome position (GRCh38, 1-based): chr6:73,482,146, C>G. VCF-style: chr6-73482146-C-G. GRCh37 (hg19) VCF-style: chr6-74191869-C-G.
Other names: c.1487C>G, p.Thr496Ser (NM_001123226.2); c.1442C>G, p.Thr481Ser (NM_133645.3); short protein forms T481S, T496S, T456S.
Identifiers: ClinVar variation 1403980 (VCV001403980.6), dbSNP rs1771517793, ClinGen allele CA364717105.

ClinVar aggregate classification (germline): Uncertain significance (1 of 4 stars; one submission).

Conditions:
Mitochondrial hypertrophic cardiomyopathy with lactic acidosis due to MTO1 deficiency. Also called: CARDIOMYOPATHY, INFANTILE HYPERTROPHIC MITOCHONDRIAL, AND LACTIC ACIDOSIS; Combined oxidative phosphorylation deficiency 10. Identifiers: Orphanet 314637, MedGen C4749921, MONDO:0013865, OMIM 614702.

Allele frequency attached by ClinVar (database versions not stated): gnomAD 0.00001; TOPMed 0.00001.
gnomAD v4.1: 1 of 1,614,054 alleles (0.000062%); highest among the groups gnomAD compares: Non-Finnish European, 0.000085%; no homozygotes.

Submission:

Labcorp Genetics (formerly Invitae), Labcorp
Classification: Uncertain significance for Mitochondrial hypertrophic cardiomyopathy with lactic acidosis due to MTO1 deficiency. Last evaluated: 2022-06-20. Review status: criteria provided, single submitter. Criteria: Invitae Variant Classification Sherloc (09022015). Collection method: clinical testing. Allele origin: germline.
Comment: This variant has not been reported in the literature in individuals affected with MTO1-related conditions. This variant is not present in population databases (gnomAD no frequency). This sequence change replaces threonine, which is neutral and polar, with serine, which is neutral and polar, at codon 456 of the MTO1 protein (p.Thr456Ser). Algorithms developed to predict the effect of missense changes on protein structure and function (SIFT, PolyPhen-2, Align-GVGD) all suggest that this variant is likely to be tolerated. In summary, the available evidence is currently insufficient to determine the role of this variant in disease. Therefore, it has been classified as a Variant of Uncertain Significance. Algorithms developed to predict the effect of sequence changes on RNA splicing suggest that this variant may create or strengthen a splice site.